The following is an entry in ClinVar:

ClinVar aggregate classification (germline): Likely benign. Review status: criteria provided, multiple submitters, no conflicts (2 of 4 stars). 3 submissions from 3 submitters: Likely benign (3). Last evaluated 2026-07-01.

Allele frequency attached by ClinVar (database versions not stated): gnomAD 0.00227 and 0.00230; ESP Exome Variant Server 0.00277; gnomAD exomes 0.00382 and 0.00195; 1000 Genomes Project 0.00060; 1000 Genomes Project 30x 0.00062; ExAC 0.00182; TOPMed 0.00226.
gnomAD v4.1: 5,920 of 1,611,682 alleles (0.37%); highest among the groups gnomAD compares: Non-Finnish European, 0.46%; 26 homozygotes.

Submissions (3):

CeGaT Center for Human Genetics Tuebingen
Classification: Likely benign. Last evaluated: 2026-07-01. Review status: criteria provided, single submitter. Criteria: CeGaT Center For Human Genetics Tuebingen Variant Classification Criteria Version 2. Collection method: clinical testing. Allele origin: germline. Affected: yes. Observed: 13 variant alleles.
Comment: TRPA1: BS2

Labcorp Genetics (formerly Invitae), Labcorp
Classification: Likely benign. Last evaluated: 2019-12-31. Review status: criteria provided, single submitter. Criteria: Invitae Variant Classification Sherloc (09022015). Collection method: clinical testing. Allele origin: germline.

Center for Pediatric Genomic Medicine, Children's Mercy Hospital and Clinics
Classification: Likely benign. Last evaluated: 2017-06-22. Review status: criteria provided, single submitter. Criteria: ACMG Guidelines, 2015. Collection method: clinical testing. Allele origin: germline.

NM_007332.3(TRPA1):c.1878G>A (p.Met626Ile)

Genes: MSC-AS1 (MSC antisense RNA 1; plus strand), TRPA1 (transient receptor potential cation channel subfamily A member 1; minus strand). Cytogenetic location: 8q21.11.
Variant type: single nucleotide variant.
Coding change: c.1878G>A on transcript NM_007332.3 (MANE Select); coding-DNA position 1878, G replaced by A.
Protein change: p.Met626Ile; replaces methionine 626 with isoleucine.
Molecular consequence: missense variant.
Genome position (GRCh38, 1-based): chr8:72,050,805, C>T on the plus strand (G>A on the coding strand, the complement: TRPA1 is on the minus strand). VCF-style: chr8-72050805-C-T. GRCh37 (hg19) VCF-style: chr8-72963040-C-T.
Other names: short protein forms M626I.
Identifiers: ClinVar variation 445446 (VCV000445446.36), dbSNP rs61753709, ClinGen allele CA4780750.